The following is an entry in ClinVar:

ClinVar aggregate classification (germline): Benign. Review status: criteria provided, multiple submitters, no conflicts (2 of 4 stars). 2 submissions from 2 submitters: Benign (2). Last evaluated 2019-10-17.

Allele frequency attached by ClinVar (database versions not stated): 1000 Genomes Project 30x 0.50047; 1000 Genomes Project 0.50459; TOPMed 0.50876; gnomAD 0.50959 and 0.51682.

Submissions (2):

GeneDx
Classification: Benign. Last evaluated: 2019-10-17. Review status: criteria provided, single submitter. Criteria: GeneDx Variant Classification Process June 2021. Collection method: clinical testing. Allele origin: germline. Affected: yes.
Comment: This variant is associated with the following publications: (PMID: 30629480)

Breakthrough Genomics
Classification: Benign. Review status: criteria provided, single submitter. Criteria: ACMG Guidelines, 2015. Collection method: not provided. Allele origin: germline. Inheritance: Autosomal dominant inheritance. Affected: yes.

NM_017617.5(NOTCH1):c.*1339T>C

Gene: NOTCH1 (notch receptor 1; minus strand). Cytogenetic location: 9q34.3.
Variant type: single nucleotide variant.
Coding change: c.*1339T>C on transcript NM_017617.5 (MANE Select); 1339 bases downstream of the stop codon, T replaced by C.
Molecular consequence: 3 prime UTR variant.
Genome position (GRCh38, 1-based): chr9:136,494,732, A>G on the plus strand (T>C on the coding strand, the complement: NOTCH1 is on the minus strand). VCF-style: chr9-136494732-A-G. GRCh37 (hg19) VCF-style: chr9-139389184-A-G.
Identifiers: ClinVar variation 1288748 (VCV001288748.2), dbSNP rs6563, ClinGen allele CA12976359.
Genomic context (GRCh38, chr9:136,494,732, plus strand): 5'-GGCGGCACGGCAGCGGAGCGTCCCCAGTGCATGGGCGGCTAAGGCTCCCCGAGCTGAGCC[A>G]AGTCTGACGTCCCTCACTGGCATGACACACAACAGACTCATTCATTAAGATTTTTTAAAC-3'